The following is an entry in ClinVar:

NM_006306.4(SMC1A):c.3652_3663del (p.Phe1218_Thr1221del)

Gene: SMC1A (structural maintenance of chromosomes 1A; minus strand). Cytogenetic location: Xp11.22.
Variant type: Deletion.
Coding change: c.3652_3663del on transcript NM_006306.4 (MANE Select); coding-DNA positions 3652 to 3663, 12 bases deleted (TTCGACCTCACC).
Protein change: p.Phe1218_Thr1221del.
Molecular consequence: inframe deletion.
Genome position (GRCh38, 1-based): chrX:53,380,142-53,380,153, GGTGAGGTCGAA deleted on the plus strand (TTCGACCTCACC on the coding strand, the reverse complement: SMC1A is on the minus strand); deleting any 12 consecutive bases within chrX:53,380,142-53,380,156 gives the same sequence; the c. name uses the placement nearest the transcript's 3' end. VCF-style (leftmost placement, unchanged base first): chrX-53380141-TGGTGAGGTCGAA-T. GRCh37 (hg19) VCF-style: chrX-53407062-TGGTGAGGTCGAA-T.
Other names: c.3652_3663delTTCGACCTCACC (NM_006306.3); c.3586_3597del, p.Phe1196_Thr1199del (NM_001281463.1).
Identifiers: ClinVar variation 576172 (VCV000576172.8), dbSNP rs1569351341, ClinGen allele CA891843921.

ClinVar aggregate classification (germline): Likely pathogenic (1 of 4 stars; one submission).

Conditions:
Congenital muscular hypertrophy-cerebral syndrome (CDLS2). Also called: Cornelia de Lange syndrome 2; SMC1A-Related Cornelia de Lange Syndrome. Identifiers: Orphanet 199, MedGen C1802395, MONDO:0010370, OMIM 300590.

Submission:

Labcorp Genetics (formerly Invitae), Labcorp
Classification: Likely pathogenic for Congenital muscular hypertrophy-cerebral syndrome. Last evaluated: 2017-12-09. Review status: criteria provided, single submitter. Criteria: Invitae Variant Classification Sherloc (09022015). Collection method: clinical testing. Allele origin: germline.
Comment: This variant, c.3652_3663del, results in the deletion of 4 amino acids of the SMC1A protein (p.Phe1218_Thr1221del), but otherwise preserves the integrity of the reading frame. This variant is not present in population databases (ExAC no frequency). Experimental studies and prediction algorithms are not available for this variant, and the functional significance of the deleted amino acids is currently unknown. In summary, the currently available evidence indicates that the variant is pathogenic, but additional data are needed to prove that conclusively. Therefore, this variant has been classified as Likely Pathogenic.